The following is an entry in ClinVar:

ClinVar aggregate classification (germline): Benign/Likely benign. Review status: criteria provided, multiple submitters, no conflicts (2 of 4 stars). 6 submissions from 6 submitters: Benign (4); Likely benign (2). Last evaluated 2026-01-11.

Conditions:
Disseminated atypical mycobacterial infection. Identifiers: MedGen C0694566.
Autosomal dominant mendelian susceptibility to mycobacterial diseases due to partial IFNgammaR1 deficiency. Also called: IMMUNODEFICIENCY 27B, MYCOBACTERIOSIS, AUTOSOMAL DOMINANT; IFNGR1 DEFICIENCY, AUTOSOMAL DOMINANT; Immunodeficiency 27b. Identifiers: Orphanet 319581, MedGen C4014863, MONDO:0014429, OMIM 615978.
Hepatitis B virus, susceptibility to. Also called: HBV, SUSCEPTIBILITY TO. Identifiers: MedGen C1864880, MONDO:0012488, OMIM 610424.
Helicobacter pylori infection, susceptibility to. Identifiers: MedGen C1838332, MONDO:0010853, OMIM 600263.
Mycobacterium tuberculosis, susceptibility to. Identifiers: MedGen C1834752, OMIM 607948.
Immunodeficiency 27A (IMD27A). Also called: IMMUNODEFICIENCY 27A, MYCOBACTERIOSIS, AUTOSOMAL RECESSIVE; IFNGR1 DEFICIENCY, AUTOSOMAL RECESSIVE. Identifiers: Orphanet 319569, Orphanet 99898, MedGen C4011949, MONDO:0008856, OMIM 209950.
Interferon gamma receptor deficiency (IFNGRD). Identifiers: MedGen C1112429.

Allele frequency attached by ClinVar (database versions not stated): gnomAD exomes 0.00107; ExAC 0.00132; gnomAD 0.00394 and 0.00438; 1000 Genomes Project 0.00419; 1000 Genomes Project 30x 0.00453; TOPMed 0.00498; ESP Exome Variant Server 0.00561.
gnomAD v4.1: 1,271 of 1,614,194 alleles (0.079%); highest among the groups gnomAD compares: African/African-American, 1.5%; 7 homozygotes.

Submissions (6):

Labcorp Genetics (formerly Invitae), Labcorp
Classification: Benign for Disseminated atypical mycobacterial infection. Last evaluated: 2026-01-11. Review status: criteria provided, single submitter. Criteria: Invitae Variant Classification Sherloc (09022015). Collection method: clinical testing. Allele origin: germline.

Blueprint Genetics
Classification: Likely benign. Last evaluated: 2024-10-18. Review status: criteria provided, single submitter. Criteria: ACMG Guidelines, 2015. Collection method: clinical testing. Allele origin: germline.

Fulgent Genetics
Classification: Benign for Immunodeficiency 27A; Helicobacter pylori infection, susceptibility to; Mycobacterium tuberculosis, susceptibility to; Hepatitis B virus, susceptibility to; Autosomal dominant mendelian susceptibility to mycobacterial diseases due to partial IFNgammaR1 deficiency. Last evaluated: 2022-04-26. Review status: criteria provided, single submitter. Criteria: ACMG Guidelines, 2015. Collection method: clinical testing. Allele origin: unknown.

CeGaT Center for Human Genetics Tuebingen
Classification: Benign. Last evaluated: 2022-03-01. Review status: criteria provided, single submitter. Criteria: CeGaT Center For Human Genetics Tuebingen Variant Classification Criteria Version 2. Collection method: clinical testing. Allele origin: germline. Affected: yes. Observed: 1 variant allele.
Comment: IFNGR1: BP4, BS1, BS2

Illumina Laboratory Services, Illumina
Classification: Benign for Immunodeficiency 27A. Last evaluated: 2017-09-05. Review status: criteria provided, single submitter. Criteria: ICSL Variant Classification Criteria 13 December 2019. Collection method: clinical testing. Allele origin: germline.
Comment: This variant was observed as part of a predisposition screen in an ostensibly healthy population. A literature search was performed for the gene, cDNA change, and amino acid change (where applicable). No publications were found based on this search. Allele frequency data from public databases was too high to be consistent with this variant causing disease. Therefore, this variant is classified as benign.

Women's Health and Genetics/Laboratory Corporation of America, LabCorp
Classification: Likely benign for Interferon Gamma Receptor Deficiency. Last evaluated: 2011-08-18. Review status: criteria provided, single submitter. Criteria: LabCorp Variant Classification Summary - May 2015. Collection method: clinical testing. Allele origin: germline. Inheritance: autosomal unknown.
ClinVar note: Converted during submission from likely benign to Likely benign.

Literature cited by the submitters: PubMed 20015550 (cited by Women's Health and Genetics/Laboratory Corporation of America, LabCorp); PubMed 12516030 (cited by Women's Health and Genetics/Laboratory Corporation of America, LabCorp); PubMed 18593809 (cited by Women's Health and Genetics/Laboratory Corporation of America, LabCorp).

NM_000416.3(IFNGR1):c.1004A>C (p.His335Pro)

Gene: IFNGR1 (interferon gamma receptor 1; minus strand). Cytogenetic location: 6q23.3.
Variant type: single nucleotide variant.
Coding change: c.1004A>C on transcript NM_000416.3 (MANE Select); coding-DNA position 1004, A replaced by C.
Protein change: p.His335Pro; replaces histidine 335 with proline.
Molecular consequence: missense variant.
Genome position (GRCh38, 1-based): chr6:137,198,497, T>G on the plus strand (A>C on the coding strand, the complement: IFNGR1 is on the minus strand). VCF-style: chr6-137198497-T-G. GRCh37 (hg19) VCF-style: chr6-137519634-T-G.
Other names: c.974A>C, p.His325Pro (NM_001363526.1); c.881A>C, p.His294Pro (NM_001363527.1); short protein forms H335P, H325P, H294P.
Identifiers: ClinVar variation 36371 (VCV000036371.49), dbSNP rs17175350, ClinGen allele CA214014.